The following is an entry in ClinVar:

ClinVar aggregate classification (germline): Uncertain significance (1 of 4 stars; one submission).

Submission:

Labcorp Genetics (formerly Invitae), Labcorp
Classification: Uncertain significance. Last evaluated: 2024-03-02. Review status: criteria provided, single submitter. Criteria: Invitae Variant Classification Sherloc (09022015). Collection method: clinical testing. Allele origin: germline.
Comment: This sequence change replaces glutamic acid, which is acidic and polar, with glycine, which is neutral and non-polar, at codon 106 of the APC2 protein (p.Glu106Gly). This variant is not present in population databases (gnomAD no frequency). This variant has not been reported in the literature in individuals affected with APC2-related conditions. An algorithm developed to predict the effect of missense changes on protein structure and function (PolyPhen-2) suggests that this variant is likely to be tolerated. In summary, the available evidence is currently insufficient to determine the role of this variant in disease. Therefore, it has been classified as a Variant of Uncertain Significance.

NM_005883.3(APC2):c.317A>G (p.Glu106Gly)

Gene: APC2 (APC regulator of Wnt signaling pathway 2; plus strand). Cytogenetic location: 19p13.3.
Variant type: single nucleotide variant.
Coding change: c.317A>G on transcript NM_005883.3 (MANE Select); coding-DNA position 317, A replaced by G.
Protein change: p.Glu106Gly; replaces glutamic acid 106 with glycine.
Molecular consequence: missense variant.
Genome position (GRCh38, 1-based): chr19:1,453,515, A>G. VCF-style: chr19-1453515-A-G. GRCh37 (hg19) VCF-style: chr19-1453514-A-G.
Other names: c.317A>G, p.Glu106Gly (NM_001351273.1); short protein forms E106G.
Identifiers: ClinVar variation 3643024 (VCV003643024.2).